The following is an entry in ClinVar:

ClinVar aggregate classification (germline): Conflicting classifications of pathogenicity. Review status: criteria provided, conflicting classifications (1 of 4 stars). 5 submissions from 5 submitters: Uncertain significance (1); Likely benign (4). Last evaluated 2025-01-14.

Conditions:
Hypercholesterolemia, autosomal dominant, 3 (FHCL3). Also called: Familial hypercholesterolemia 3; Familial Hypercholesterolemia, Autosomal Dominant, 3; PCSK9-Related Familial Hypercholesterolemia, Autosomal Dominant. Identifiers: MedGen C1863551, MONDO:0011369, OMIM 603776.
Cardiovascular phenotype. Identifiers: MedGen CN230736.
Familial hypercholesterolemia. Also called: Familial hypercholesterolaemia; Familial hypercholesterolemias. Identifiers: MedGen C0020445, MONDO:0005439.

Allele frequency attached by ClinVar (database versions not stated): gnomAD exomes below 0.00001; gnomAD 0.00001; TOPMed 0.00001.
gnomAD v4.1: 4 of 1,613,266 alleles (0.00025%); highest among the groups gnomAD compares: Admixed American, 0.0033%; no homozygotes.

Submissions (5):

Labcorp Genetics (formerly Invitae), Labcorp
Classification: Likely benign for Hypercholesterolemia, autosomal dominant, 3. Last evaluated: 2025-01-14. Review status: criteria provided, single submitter. Criteria: Invitae Variant Classification Sherloc (09022015). Collection method: clinical testing. Allele origin: germline.

All of Us Research Program, National Institutes of Health
Classification: Likely benign for Hypercholesterolemia, autosomal dominant, 3. Last evaluated: 2024-09-23. Review status: criteria provided, single submitter. Criteria: ACMG Guidelines, 2015. Collection method: clinical testing. Allele origin: germline. Inheritance: Autosomal dominant inheritance. Observed: 4 variant alleles, 4 heterozygotes.
Comment: This study involves interpretation of variants in research participants for the purpose of population health screening. Participant phenotype was not available at the time of variant classification. Additional details can be found in publication PMID: 35346344, PMCID: PMC8962531

Quest Diagnostics Nichols Institute San Juan Capistrano
Classification: Uncertain significance. Last evaluated: 2023-06-07. Review status: criteria provided, single submitter. Criteria: Quest Diagnostics criteria. Collection method: clinical testing. Allele origin: unknown.
Comment: To the best of our knowledge, this variant has not been reported in individuals with PCSK9-related conditions in the published literature. The frequency of this variant in the general population, 0.0000066 (1/152214 chromosomes (Genome Aggregation Database)), is uninformative in the assessment of its pathogenicity. Analysis of this variant using software algorithms for the prediction of the effect of nucleotide changes on splicing yielded predictions that this variant does not affect PCSK9 mRNA splicing . Based on the available information, we are unable to determine the clinical significance of this variant.

Ambry Genetics
Classification: Likely benign for Cardiovascular phenotype. Last evaluated: 2021-09-30. Review status: criteria provided, single submitter. Criteria: Ambry Variant Classification Scheme 2023. Collection method: clinical testing. Allele origin: germline.

Color Diagnostics, LLC DBA Color Health
Classification: Likely benign for Familial hypercholesterolemia. Last evaluated: 2020-06-22. Review status: criteria provided, single submitter. Criteria: ACMG Guidelines, 2015. Collection method: clinical testing. Allele origin: germline.

NM_174936.4(PCSK9):c.1323G>A (p.Val441=)

Gene: PCSK9 (proprotein convertase subtilisin/kexin type 9; plus strand). Cytogenetic location: 1p32.3.
Variant type: single nucleotide variant.
Coding change: c.1323G>A on transcript NM_174936.4 (MANE Select); coding-DNA position 1323, G replaced by A.
Protein change: p.Val441=; no amino-acid change (valine 441 retained).
Molecular consequence: synonymous variant.
Genome position (GRCh38, 1-based): chr1:55,058,178, G>A. VCF-style: chr1-55058178-G-A. GRCh37 (hg19) VCF-style: chr1-55523851-G-A.
Identifiers: ClinVar variation 1171041 (VCV001171041.13), dbSNP rs1365723695, ClinGen allele CA417960218.
Genomic context (GRCh38, chr1:55,058,178, plus strand): 5'-AGATGTCATCAATGAGGCCTGGTTCCCTGAGGACCAGCGGGTACTGACCCCCAACCTGGT[G>A]GCCGCCCTGCCCCCCAGCACCCATGGGGCAGGTAAGCAGGATGGCAGGGTGGGCAAGTCC-3'
Protein context (NP_777596.2, residues 431-451): EDQRVLTPNL[Val441=]AALPPSTHGA